The following is an entry in ClinVar:

ClinVar aggregate classification (germline): Conflicting classifications of pathogenicity. Review status: criteria provided, conflicting classifications (1 of 4 stars). 5 submissions from 5 submitters: Uncertain significance (1); Benign (1); Likely benign (2). 1 of the submissions does not count toward it. Last evaluated 2026-02-02.

Conditions:
OBSL1-related disorder. Also called: OBSL1-related condition.
Inborn genetic diseases. Identifiers: MedGen C0950123, MeSH D030342.
3M syndrome 2. Also called: 3-M Syndrome, OBSL1-Related; THREE M SYNDROME 2. Identifiers: Orphanet 2616, MedGen C2752041, MONDO:0013039, OMIM 612921.

Allele frequency attached by ClinVar (database versions not stated): gnomAD 0.00038 and 0.00051; 1000 Genomes Project 0.00040; ExAC 0.00059; TOPMed 0.00071; gnomAD exomes 0.00120; 1000 Genomes Project 30x 0.00344.
gnomAD v4.1: 582 of 1,510,596 alleles (0.039%); highest among the groups gnomAD compares: East Asian, 1.4%; 5 homozygotes.

Submissions (5):

Labcorp Genetics (formerly Invitae), Labcorp
Classification: Benign. Last evaluated: 2026-02-02. Review status: criteria provided, single submitter. Criteria: Invitae Variant Classification Sherloc (09022015). Collection method: clinical testing. Allele origin: germline.

Blueprint Genetics
Classification: Likely benign. Last evaluated: 2024-11-18. Review status: criteria provided, single submitter. Criteria: ACMG Guidelines, 2015. Collection method: clinical testing. Allele origin: germline.

Ambry Genetics
Classification: Likely benign for Inborn genetic diseases. Last evaluated: 2022-03-29. Review status: criteria provided, single submitter. Criteria: Ambry Variant Classification Scheme 2023. Collection method: clinical testing. Allele origin: germline.

Illumina Laboratory Services, Illumina
Classification: Uncertain significance for 3M syndrome 2. Last evaluated: 2018-01-13. Review status: criteria provided, single submitter. Criteria: ICSL Variant Classification Criteria 13 December 2019. Collection method: clinical testing. Allele origin: germline.

PreventionGenetics, part of Exact Sciences
Classification: Benign for OBSL1-related condition. Last evaluated: 2019-09-17. Review status: no assertion criteria provided. Collection method: clinical testing. Allele origin: germline. Not counted in ClinVar's aggregate classification.
Comment: This variant is classified as benign based on ACMG/AMP sequence variant interpretation guidelines (Richards et al. 2015 PMID: 25741868, with internal and published modifications).

NM_015311.3(OBSL1):c.593C>A (p.Ala198Glu)

Gene: OBSL1 (obscurin like cytoskeletal adaptor 1; minus strand). Cytogenetic location: 2q35.
Variant type: single nucleotide variant.
Coding change: c.593C>A on transcript NM_015311.3 (MANE Select); coding-DNA position 593, C replaced by A.
Protein change: p.Ala198Glu; replaces alanine 198 with glutamic acid.
Molecular consequence: missense variant.
Genome position (GRCh38, 1-based): chr2:219,570,640, G>T on the plus strand (C>A on the coding strand, the complement: OBSL1 is on the minus strand). VCF-style: chr2-219570640-G-T. GRCh37 (hg19) VCF-style: chr2-220435362-G-T.
Other names: c.593C>A, p.Ala198Glu (NM_001173408.2, NM_001173431.2); short protein forms A198E.
Identifiers: ClinVar variation 334534 (VCV000334534.17), dbSNP rs186348476, ClinGen allele CA2131775.